The following is an entry in ClinVar:

NM_018489.3(ASH1L):c.1939_1941del (p.Ser649del)

Gene: ASH1L (ASH1 like histone lysine methyltransferase; minus strand). Cytogenetic location: 1q22.
Variant type: Deletion.
Coding change: c.1939_1941del on transcript NM_018489.3 (MANE Select); coding-DNA positions 1939 to 1941, 3 bases deleted (AGC; older notation c.1939_1941delAGC).
Protein change: p.Ser649del; deletes serine 649.
Molecular consequence: inframe deletion.
Genome position (GRCh38, 1-based): chr1:155,480,929-155,480,931, GCT deleted on the plus strand (AGC on the coding strand, the reverse complement: ASH1L is on the minus strand). VCF-style (leftmost placement, unchanged base first): chr1-155480928-AGCT-A. GRCh37 (hg19) VCF-style: chr1-155450719-AGCT-A.
Other names: c.1939_1941del, p.Ser649del (NM_001366177.2); short protein forms S649del.
Identifiers: ClinVar variation 1878760 (VCV001878760.1), dbSNP rs2527188239, ClinGen allele CA2580061132.

ClinVar aggregate classification (germline): Uncertain significance (1 of 4 stars; one submission).

Submission:

GeneDx
Classification: Uncertain significance. Last evaluated: 2022-07-12. Review status: criteria provided, single submitter. Criteria: GeneDx Variant Classification Process June 2021. Collection method: clinical testing. Allele origin: germline. Affected: yes.
Comment: Not observed at significant frequency in large population cohorts (gnomAD); In-frame deletion of 1 amino acid in a non-repeat region; In silico analysis supports a deleterious effect on protein structure/function; Has not been previously published as pathogenic or benign to our knowledge